The following is an entry in ClinVar:

ClinVar aggregate classification (germline): Likely pathogenic (1 of 4 stars; one submission).

Submission:

GeneDx
Classification: Likely pathogenic. Last evaluated: 2021-12-17. Review status: criteria provided, single submitter. Criteria: GeneDx Variant Classification Process June 2021. Collection method: clinical testing. Allele origin: germline. Affected: yes.
Comment: Not observed at significant frequency in large population cohorts (gnomAD); Missense variants in this gene are often considered pathogenic (HGMD); In silico analysis supports that this missense variant has a deleterious effect on protein structure/function; This variant is associated with the following publications: (PMID: 20150575, 27583472)

NM_000044.6(AR):c.2344T>G (p.Tyr782Asp)

Gene: AR (androgen receptor; plus strand). Cytogenetic location: Xq12.
Variant type: single nucleotide variant.
Coding change: c.2344T>G on transcript NM_000044.6 (MANE Select); coding-DNA position 2344, T replaced by G.
Protein change: p.Tyr782Asp; replaces tyrosine 782 with aspartic acid.
Molecular consequence: missense variant.
Genome position (GRCh38, 1-based): chrX:67,721,858, T>G. VCF-style: chrX-67721858-T-G. GRCh37 (hg19) VCF-style: chrX-66941700-T-G.
Other names: c.748T>G, p.Tyr250Asp (NM_001011645.3); short protein forms Y250D, Y782D.
Identifiers: ClinVar variation 2573828 (VCV002573828.1), dbSNP rs2147535633, ClinGen allele CA413426483.